The following is an entry in ClinVar:

NM_001127208.3(TET2):c.2349del (p.Glu783fs)

Genes: TET2 (tet methylcytosine dioxygenase 2; plus strand), TET2-AS1 (TET2 antisense RNA 1; minus strand). Cytogenetic location: 4q24.
Variant type: Deletion.
Coding change: c.2349del on transcript NM_001127208.3 (MANE Select); coding-DNA position 2349, one base deleted (A; older notation c.2349delA).
Protein change: p.Glu783fs; shifts the reading frame from glutamic acid 783.
Molecular consequence: frameshift variant.
Genome position (GRCh38, 1-based): chr4:105,236,291, A deleted; the last of 2 consecutive A bases (chr4:105,236,290-105,236,291); deleting either gives the same sequence. VCF-style (leftmost placement, unchanged base first): chr4-105236289-GA-G. GRCh37 (hg19) VCF-style: chr4-106157446-GA-G.
Other names: c.2349del, p.Glu783fs (NM_017628.4); short protein forms E783fs.
Identifiers: ClinVar variation 2036660 (VCV002036660.4), dbSNP rs2476499844, ClinGen allele CA2580071303.

ClinVar aggregate classification (germline): Pathogenic (1 of 4 stars; one submission).

Submission:

Labcorp Genetics (formerly Invitae), Labcorp
Classification: Pathogenic. Last evaluated: 2025-09-08. Review status: criteria provided, single submitter. Criteria: Invitae Variant Classification Sherloc (09022015). Collection method: clinical testing. Allele origin: germline.
Comment: This sequence change creates a premature translational stop signal (p.Glu783Aspfs*30) in the TET2 gene. It is expected to result in an absent or disrupted protein product. Loss-of-function variants in TET2 are known to be pathogenic (PMID: 36066697). This variant is not present in population databases (gnomAD no frequency). This variant has not been reported in the literature in individuals affected with TET2-related conditions. ClinVar contains an entry for this variant (Variation ID: 2036660). For these reasons, this variant has been classified as Pathogenic.

Literature cited by the submitters: PubMed 36066697.